The following is an entry in ClinVar:

NM_001374736.1(DST):c.20658G>A (p.Lys6886=)

Gene: DST (dystonin; minus strand). Cytogenetic location: 6p12.1.
Variant type: single nucleotide variant.
Coding change: c.20658G>A on transcript NM_001374736.1 (MANE Select); coding-DNA position 20658, G replaced by A.
Protein change: p.Lys6886=; no amino-acid change (lysine 6886 retained).
Molecular consequence: synonymous variant.
Genome position (GRCh38, 1-based): chr6:56,492,326, C>T on the plus strand (G>A on the coding strand, the complement: DST is on the minus strand). VCF-style: chr6-56492326-C-T. GRCh37 (hg19) VCF-style: chr6-56357124-C-T.
Other names: c.20685G>A, p.Lys6895= (NM_001374734.1); c.13767G>A, p.Lys4589= (NM_001386100.1, NM_183380.4); c.12789G>A, p.Lys4263= (NM_015548.5); c.14301G>A, p.Lys4767= (NM_001144769.5); c.13887G>A, p.Lys4629= (NM_001144770.2); c.20658G>A, p.Lys6886= (NM_001374722.1); c.19698G>A, p.Lys6566= (NM_001374729.1); c.13440G>A, p.Lys4480= (NM_001374730.1).
Identifiers: ClinVar variation 1967521 (VCV001967521.5), dbSNP rs2533936494, ClinGen allele CA450488782.

ClinVar aggregate classification (germline): Uncertain significance (1 of 4 stars; one submission).

Conditions:
Hereditary sensory and autonomic neuropathy type 6. Also called: Neuropathy, hereditary sensory and autonomic, type VI; HSAN VI. Identifiers: Orphanet 314381, MedGen C3539003, MONDO:0013839, OMIM 614653.
Epidermolysis bullosa simplex 3, localized or generalized intermediate, with BP230 deficiency (EBS3). Also called: Epidermolysis bullosa simplex due to BP230 deficiency; Epidermolysis bullosa simplex, autosomal recessive 2. Identifiers: Orphanet 412181, MedGen C3809470, MONDO:0014180, OMIM 615425.

Allele frequency attached by ClinVar (database versions not stated): gnomAD exomes below 0.00001.
gnomAD v4.1: 2 of 1,613,844 alleles (0.00012%); highest among the groups gnomAD compares: Admixed American, 0.0033%; no homozygotes.

Submission:

Labcorp Genetics (formerly Invitae), Labcorp
Classification: Uncertain significance for Epidermolysis bullosa simplex 3, localized or generalized intermediate, with BP230 deficiency; Hereditary sensory and autonomic neuropathy type 6. Last evaluated: 2022-07-21. Review status: criteria provided, single submitter. Criteria: Invitae Variant Classification Sherloc (09022015). Collection method: clinical testing. Allele origin: germline.
Comment: In summary, the available evidence is currently insufficient to determine the role of this variant in disease. Therefore, it has been classified as a Variant of Uncertain Significance. This variant is not present in population databases (gnomAD no frequency). The DST gene has multiple clinically relevant transcripts. This variant occurs in alternate transcript NM_015548.4, and corresponds to NM_001723.5:c.*123191G>A in the primary transcript. This sequence change affects codon 4263 of the DST mRNA. It is a 'silent' change, meaning that it does not change the encoded amino acid sequence of the DST protein. This variant has not been reported in the literature in individuals affected with DST-related conditions. Experimental studies and prediction algorithms are not available or were not evaluated, and the effect of this variant on mRNA splicing is currently unknown.